The following is an entry in ClinVar:

ClinVar aggregate classification (germline): Likely pathogenic (1 of 4 stars; one submission).

Conditions:
Fabry disease. Also called: ALPHA-GALACTOSIDASE A DEFICIENCY; ANDERSON-FABRY DISEASE; CERAMIDE TRIHEXOSIDASE DEFICIENCY; GLA DEFICIENCY; HEREDITARY DYSTOPIC LIPIDOSIS; Angiokeratoma corporis diffusum. Identifiers: Orphanet 324, MedGen C0002986, MONDO:0010526, OMIM 301500, HP:0001071. Disease mechanism: Fabry disease is due to inactivating mutations in the X-linked GLA gene resulting in deficiency of the enzyme Alpha Galactosidase-A., loss of function.

gnomAD v4.1: 1 of 1,188,575 alleles (0.000084%); highest among the groups gnomAD compares: Non-Finnish European, 0.00011%; no homozygotes.

Submission:

Genomenon, Inc
Classification: Likely pathogenic for Fabry disease. Last evaluated: 2026-09-08. Review status: criteria provided, single submitter. Criteria: Genomenon Sequence Variant Interpretation Standards - Updated. Collection method: curation. Allele origin: germline. Affected: yes.
Comment: GLA p.Gly195Val (c.584G>T) is a missense variant that changes the amino acid at codon 195 from Glycine to Valine. This variant has been observed in at least one proband with clinical features consistent with Fabry disease (PMID:22008442;22695894;24236025). The variant was found to segregate with disease in at least one affected family (PMID:22008442). Functional or patient cell studies have been reported (PMID:22008442;32843101;22695894;24236025;27657681;33456042). It is absent or not present at a significant frequency in gnomAD. In silico models predict that this variant is possibly or probably damaging. In conclusion, we classify GLA p.Gly195Val (c.584G>T) as a likely pathogenic variant.

Literature cited by the submitters: PubMed 22008442; PubMed 22695894; PubMed 24236025; PubMed 32843101; PubMed 27657681; PubMed 33456042.

NM_000169.3(GLA):c.584G>T (p.Gly195Val)

Genes: GLA (galactosidase alpha; minus strand), RPL36A-HNRNPH2 (RPL36A-HNRNPH2 readthrough; plus strand). Cytogenetic location: Xq22.1.
Variant type: single nucleotide variant.
Coding change: c.584G>T on transcript NM_000169.3 (MANE Select); coding-DNA position 584, G replaced by T.
Protein change: p.Gly195Val; replaces glycine 195 with valine.
Molecular consequence: missense variant. On other transcripts: non-coding transcript variant (2), intron variant (2).
Genome position (GRCh38, 1-based): chrX:101,400,721, C>A on the plus strand (G>T on the coding strand, the complement: GLA is on the minus strand). VCF-style: chrX-101400721-C-A. GRCh37 (hg19) VCF-style: chrX-100655709-C-A.
Other names: c.707G>T, p.Gly236Val (NM_001406747.1); c.584G>T, p.Gly195Val (NM_001406748.1); c.300+5264C>A (NM_001199973.2); c.177+8899C>A (NM_001199974.2); short protein forms G195V, G236V.
Identifiers: ClinVar variation 4087425 (VCV004087425.2).